The following is an entry in ClinVar:

NM_000264.5(PTCH1):c.450G>T (p.Glu150Asp)

Gene: PTCH1 (patched 1; minus strand). Cytogenetic location: 9q22.32.
Variant type: single nucleotide variant.
Coding change: c.450G>T on transcript NM_000264.5 (MANE Select); coding-DNA position 450, G replaced by T.
Protein change: p.Glu150Asp; replaces glutamic acid 150 with aspartic acid.
Molecular consequence: missense variant. On other transcripts: 5 prime UTR variant (4), non-coding transcript variant (1).
Genome position (GRCh38, 1-based): chr9:95,485,819, C>A on the plus strand (G>T on the coding strand, the complement: PTCH1 is on the minus strand). VCF-style: chr9-95485819-C-A. GRCh37 (hg19) VCF-style: chr9-98248101-C-A.
Other names: c.252G>T, p.Glu84Asp (NM_001083602.3, NM_001354919.2); c.447G>T, p.Glu149Asp (NM_001083603.3); c.-4G>T (NM_001083604.3, NM_001083605.3, NM_001083606.3 and 1 more transcripts); c.450G>T, p.Glu150Asp (NM_001354918.2); short protein forms E84D, E150D, E149D.
Identifiers: ClinVar variation 824958 (VCV000824958.4), dbSNP rs1588622758, ClinGen allele CA374117132.

ClinVar aggregate classification (germline): Uncertain significance (1 of 4 stars; one submission).

Conditions:
Hereditary cancer-predisposing syndrome. Also called: Neoplastic Syndromes, Hereditary; Tumor predisposition; Hereditary neoplastic syndrome; Hereditary Cancer Syndrome. Identifiers: Orphanet 140162, MedGen C0027672, MeSH D009386, MONDO:0015356.

Submission:

Ambry Genetics
Classification: Uncertain significance for Hereditary cancer-predisposing syndrome. Last evaluated: 2019-05-16. Review status: criteria provided, single submitter. Criteria: Ambry Variant Classification Scheme 2023. Collection method: clinical testing. Allele origin: germline.
Comment: The p.E150D variant (also known as c.450G>T), located in coding exon 3 of the PTCH1 gene, results from a G to T substitution at nucleotide position 450. The glutamic acid at codon 150 is replaced by aspartic acid, an amino acid with highly similar properties. This amino acid position is highly conserved in available vertebrate species. In addition, the in silico prediction for this alteration is inconclusive. Since supporting evidence is limited at this time, the clinical significance of this alteration remains unclear.